The following is an entry in ClinVar:

ClinVar aggregate classification (germline): Conflicting classifications of pathogenicity. Review status: criteria provided, conflicting classifications (1 of 4 stars). 4 submissions from 4 submitters: Uncertain significance (2); Likely benign (2). Last evaluated 2025-06-30.

Conditions:
Autosomal recessive limb-girdle muscular dystrophy type 2J (LGMDR10). Also called: MUSCULAR DYSTROPHY, LIMB-GIRDLE, AUTOSOMAL RECESSIVE 10; Limb-girdle muscular dystrophy, type 2J. Identifiers: Orphanet 140922, MedGen C1837342, MONDO:0012127, OMIM 608807.
Hypertrophic cardiomyopathy 9. Also called: Familial hypertrophic cardiomyopathy 9. Identifiers: MedGen C1861065, MONDO:0013412, OMIM 613765.
Tibial muscular dystrophy (TMD). Also called: Udd Distal Myopathy – Tibial Muscular Dystrophy; Tibial muscular dystrophy, tardive; UDD MYOPATHY. Identifiers: Orphanet 609, MedGen C1838244, MONDO:0010870, OMIM 600334.
Dilated cardiomyopathy 1G (CMD1G). Identifiers: Orphanet 154, MedGen C1858763, MONDO:0011400, OMIM 604145.
Early-onset myopathy with fatal cardiomyopathy (CMYO5). Also called: Salih Myopathy; CONGENITAL MYOPATHY 5 WITH CARDIOMYOPATHY. Identifiers: Orphanet 289377, MedGen C2673677, MONDO:0012714, OMIM 611705. Disease mechanism: loss of function.
Myopathy, myofibrillar, 9, with early respiratory failure (MFM9). Also called: MYOPATHY, PROXIMAL, WITH EARLY RESPIRATORY MUSCLE INVOLVEMENT; Myopathy, distal, with early respiratory failure, autosomal dominant; Hereditary myopathy with early respiratory failure; EDSTROM MYOPATHY. Identifiers: Orphanet 178464, Orphanet 34521, MedGen C1863599, MONDO:0011362, OMIM 603689.
Cardiomyopathy (CMYO). Also called: Cardiomyopathies. Identifiers: Orphanet 167848, MedGen C0878544, MONDO:0004994, HP:0001638. Inheritance: Various modes of inheritance.

Allele frequency attached by ClinVar (database versions not stated): TOPMed 0.00002; gnomAD 0.00004; gnomAD exomes 0.00004 and 0.00005; ExAC 0.00006; ESP Exome Variant Server 0.00008.
gnomAD v4.1: 74 of 1,613,996 alleles (0.0046%); highest among the groups gnomAD compares: South Asian, 0.0099%; no homozygotes.

Submissions (4):

Women's Health and Genetics/Laboratory Corporation of America, LabCorp
Classification: Uncertain significance. Last evaluated: 2025-06-30. Review status: criteria provided, single submitter. Criteria: LabCorp Variant Classification Summary - May 2015. Collection method: clinical testing. Allele origin: germline.
Comment: Variant summary: TTN c.197C>T (p.Thr66Met) results in a non-conservative amino acid change located in the Z-disk region of the encoded protein sequence. Algorithms developed to predict the effect of missense changes on protein structure and function are either unavailable or do not agree on the potential impact of this missense change. The variant allele was found at a frequency of 4.4e-05 in 251316 control chromosomes. This frequency is not significantly higher than estimated for a pathogenic variant in TTN causing Autosomal Recessive Titinopathy (4.4e-05 vs 0.00039), allowing no conclusion about variant significance. To our knowledge, no occurrence of c.197C>T in individuals affected with Autosomal Recessive Titinopathy and no experimental evidence demonstrating its impact on protein function have been reported. ClinVar contains an entry for this variant (Variation ID: 509725). Based on the evidence outlined above, the variant was classified as uncertain significance.

CHEO Genetics Diagnostic Laboratory, Children's Hospital of Eastern Ontario
Classification: Likely benign for Cardiomyopathy. Last evaluated: 2023-01-26. Review status: criteria provided, single submitter. Criteria: ACMG Guidelines, 2015. Collection method: clinical testing. Allele origin: germline.

Department of Pathology and Laboratory Medicine, Sinai Health System
Classification: Uncertain significance for Tibial muscular dystrophy; Myopathy, myofibrillar, 9, with early respiratory failure; Dilated cardiomyopathy 1G; Autosomal recessive limb-girdle muscular dystrophy type 2J; Early-onset myopathy with fatal cardiomyopathy; Hypertrophic cardiomyopathy 9. Last evaluated: 2021-11-10. Review status: criteria provided, single submitter. Criteria: ACMG Guidelines, 2015. Collection method: research. Allele origin: germline.

GeneDx
Classification: Likely benign. Last evaluated: 2017-05-16. Review status: criteria provided, single submitter. Criteria: GeneDx Variant Classification (06012015). Collection method: clinical testing. Allele origin: germline. Affected: yes.
Comment: This variant is considered likely benign or benign based on one or more of the following criteria: it is a conservative change, it occurs at a poorly conserved position in the protein, it is predicted to be benign by multiple in silico algorithms, and/or has population frequency not consistent with disease.

NM_001267550.2(TTN):c.197C>T (p.Thr66Met)

Gene: TTN (titin; minus strand). Cytogenetic location: 2q31.2.
Variant type: single nucleotide variant.
Coding change: c.197C>T on transcript NM_001267550.2 (MANE Select); coding-DNA position 197, C replaced by T.
Protein change: p.Thr66Met; replaces threonine 66 with methionine.
Molecular consequence: missense variant.
Genome position (GRCh38, 1-based): chr2:178,802,236, G>A on the plus strand (C>T on the coding strand, the complement: TTN is on the minus strand). VCF-style: chr2-178802236-G-A. GRCh37 (hg19) VCF-style: chr2-179666963-G-A.
Other names: c.197C>T, p.Thr66Met (NM_003319.4, NM_133378.4, NM_133379.5 and 3 more transcripts); short protein forms T66M.
Identifiers: ClinVar variation 509725 (VCV000509725.6), dbSNP rs372755739, ClinGen allele CA2006395.